The following is an entry in ClinVar:

NM_025137.4(SPG11):c.5047G>A (p.Asp1683Asn)

Gene: SPG11 (SPG11 vesicle trafficking associated, spatacsin; minus strand). Cytogenetic location: 15q21.1.
Variant type: single nucleotide variant.
Coding change: c.5047G>A on transcript NM_025137.4 (MANE Select); coding-DNA position 5047, G replaced by A.
Protein change: p.Asp1683Asn; replaces aspartic acid 1683 with asparagine.
Molecular consequence: missense variant.
Genome position (GRCh38, 1-based): chr15:44,585,710, C>T on the plus strand (G>A on the coding strand, the complement: SPG11 is on the minus strand). VCF-style: chr15-44585710-C-T. GRCh37 (hg19) VCF-style: chr15-44877908-C-T.
Other names: c.5047G>A, p.Asp1683Asn (NM_001160227.2, NM_001411132.1); short protein forms D1683N.
Identifiers: ClinVar variation 2574442 (VCV002574442.1), dbSNP rs1567140174, ClinGen allele CA392223427.

ClinVar aggregate classification (germline): Uncertain significance (1 of 4 stars; one submission).

Allele frequency attached by ClinVar (database versions not stated): gnomAD exomes below 0.00001.
gnomAD v4.1: 1 of 1,613,190 alleles (0.000062%); highest among the groups gnomAD compares: East Asian, 0.0022%; no homozygotes.

Submission:

GeneDx
Classification: Uncertain significance. Last evaluated: 2023-01-24. Review status: criteria provided, single submitter. Criteria: GeneDx Variant Classification Process June 2021. Collection method: clinical testing. Allele origin: germline. Affected: yes.
Comment: Not observed at significant frequency in large population cohorts (gnomAD); In silico analysis supports that this missense variant does not alter protein structure/function; Has not been previously published as pathogenic or benign to our knowledge